The following is an entry in ClinVar:

ClinVar aggregate classification (germline): Conflicting classifications of pathogenicity. Review status: criteria provided, conflicting classifications (1 of 4 stars). 5 submissions from 5 submitters: Uncertain significance (4); Likely benign (1). Last evaluated 2025-08-13.

Conditions:
Hereditary cancer-predisposing syndrome. Also called: Hereditary neoplastic syndrome; Neoplastic Syndromes, Hereditary; Tumor predisposition; Hereditary Cancer Syndrome. Identifiers: Orphanet 140162, MedGen C0027672, MeSH D009386, MONDO:0015356.
Familial cancer of breast. Also called: BREAST CANCER, FAMILIAL; Hereditary breast cancer; hereditary breast carcinoma. Identifiers: Orphanet 227535, MedGen C0346153, MONDO:0016419, OMIM 114480. Disease mechanism: loss of function.
Ataxia-telangiectasia syndrome (AT). Also called: LOUIS-BAR SYNDROME; Cerebello-oculocutaneous telangiectasia; Immunodeficiency with ataxia telangiectasia; AT, COMPLEMENTATION GROUP C; Ataxia-telangiectasia, complementation group D; ATAXIA-TELANGIECTASIA, COMPLEMENTATION GROUP A. Identifiers: Orphanet 100, MedGen C0004135, MONDO:0008840, OMIM 208900.

gnomAD v4.1: 3 of 1,612,946 alleles (0.00019%); highest among the groups gnomAD compares: South Asian, 0.0033%; no homozygotes.

Submissions (5):

Labcorp Genetics (formerly Invitae), Labcorp
Classification: Uncertain significance for Ataxia-telangiectasia syndrome. Last evaluated: 2025-08-13. Review status: criteria provided, single submitter. Criteria: Invitae Variant Classification Sherloc (09022015). Collection method: clinical testing. Allele origin: germline.
Comment: This sequence change replaces glutamine, which is neutral and polar, with lysine, which is basic and polar, at codon 1825 of the ATM protein (p.Gln1825Lys). This variant is not present in population databases (gnomAD no frequency). This variant has not been reported in the literature in individuals affected with ATM-related conditions. ClinVar contains an entry for this variant (Variation ID: 481296). Invitae Evidence Modeling of protein sequence and biophysical properties (such as structural, functional, and spatial information, amino acid conservation, physicochemical variation, residue mobility, and thermodynamic stability) indicates that this missense variant is not expected to disrupt ATM protein function with a negative predictive value of 95%. In summary, the available evidence is currently insufficient to determine the role of this variant in disease. Therefore, it has been classified as a Variant of Uncertain Significance.

Ambry Genetics
Classification: Likely benign for Hereditary cancer-predisposing syndrome. Last evaluated: 2024-12-20. Review status: criteria provided, single submitter. Criteria: Ambry Variant Classification Scheme 2023. Collection method: clinical testing. Allele origin: germline.

Color Diagnostics, LLC DBA Color Health
Classification: Uncertain significance for Hereditary cancer-predisposing syndrome. Last evaluated: 2024-03-06. Review status: criteria provided, single submitter. Criteria: ACMG Guidelines, 2015. Collection method: clinical testing. Allele origin: germline.
Comment: This missense variant replaces glutamine with lysine at codon 1825 of the ATM protein. Computational prediction suggests that this variant may not impact protein structure and function (internally defined REVEL score threshold <= 0.5, PMID: 27666373). To our knowledge, functional studies have not been reported for this variant. This variant has not been reported in individuals affected with hereditary cancer in the literature. This variant has not been identified in the general population by the Genome Aggregation Database (gnomAD). The available evidence is insufficient to determine the role of this variant in disease conclusively. Therefore, this variant is classified as a Variant of Uncertain Significance.

Baylor Genetics
Classification: Uncertain significance for Familial cancer of breast. Last evaluated: 2023-07-12. Review status: criteria provided, single submitter. Criteria: ACMG Guidelines, 2015. Collection method: clinical testing. Allele origin: unknown.

Quest Diagnostics Nichols Institute San Juan Capistrano
Classification: Uncertain significance. Last evaluated: 2022-05-26. Review status: criteria provided, single submitter. Criteria: Quest Diagnostics criteria. Collection method: clinical testing. Allele origin: unknown.

NM_000051.4(ATM):c.5473C>A (p.Gln1825Lys)

Gene: ATM (ATM serine/threonine kinase; plus strand). Cytogenetic location: 11q22.3.
Variant type: single nucleotide variant.
Coding change: c.5473C>A on transcript NM_000051.4 (MANE Select); coding-DNA position 5473, C replaced by A.
Protein change: p.Gln1825Lys; replaces glutamine 1825 with lysine.
Molecular consequence: missense variant.
Genome position (GRCh38, 1-based): chr11:108,303,006, C>A. VCF-style: chr11-108303006-C-A. GRCh37 (hg19) VCF-style: chr11-108173733-C-A.
Other names: c.5473C>A, p.Gln1825Lys (NM_001351834.2); short protein forms Q1825K.
Identifiers: ClinVar variation 481296 (VCV000481296.17), dbSNP rs1555106553, ClinGen allele CA382544397.
Genomic context (GRCh38, chr11:108,303,006, plus strand): 5'-TGGATAAAGACACTGACTTGTGCTTTTTTGGACAGTGGAGGCACAAAATGTGAAATTCTT[C>A]AATTATTAAAGCCAATGTGTGAAGTAAGAAGATTAATTAGTCTGATATAATTCCTTGTTT-3'
Protein context (NP_000042.3, residues 1815-1835): DSGGTKCEIL[Gln1825Lys]LLKPMCEVKT